The following is an entry in ClinVar:

ClinVar aggregate classification (germline): Conflicting classifications of pathogenicity. Review status: criteria provided, conflicting classifications (1 of 4 stars). 10 submissions from 9 submitters: Uncertain significance (9); Benign (1). Last evaluated 2026-08-26.

Conditions:
Autosomal recessive ataxia, Beauce type. Also called: ATAXIA, RECESSIVE, OF BEAUCE; Spinocerebellar ataxia, autosomal recessive 8; SYNE1-Related Autosomal Recessive Cerebellar Ataxia; SYNE1 Deficiency. Identifiers: Orphanet 88644, MedGen C1853116, MONDO:0012549, OMIM 610743.
Emery-Dreifuss muscular dystrophy 4, autosomal dominant (EDMD4). Also called: EMERY-DREIFUSS MUSCULAR DYSTROPHY 4 WITH VARIABLE FEATURES. Identifiers: Orphanet 261, MedGen C2751807, MONDO:0013071, OMIM 612998.

Allele frequency attached by ClinVar (database versions not stated): gnomAD 0.00005; ExAC 0.00006; gnomAD exomes 0.00007 and 0.00014; TOPMed 0.00007.
gnomAD v4.1: 210 of 1,613,960 alleles (0.013%); highest among the groups gnomAD compares: Non-Finnish European, 0.016%; no homozygotes.

Submissions (10):

GeneDx
Classification: Uncertain significance. Last evaluated: 2026-08-26. Review status: criteria provided, single submitter. Criteria: GeneDx Variant Classification Process June 2021. Collection method: clinical testing. Allele origin: germline.
Comment: In silico analysis suggests that this missense variant does not alter protein structure/function; Has not been previously published as pathogenic or benign to our knowledge

Labcorp Genetics (formerly Invitae), Labcorp
Classification: Uncertain significance for Emery-Dreifuss muscular dystrophy 4, autosomal dominant; Autosomal recessive ataxia, Beauce type. Last evaluated: 2025-10-27. Review status: criteria provided, single submitter. Criteria: Invitae Variant Classification Sherloc (09022015). Collection method: clinical testing. Allele origin: germline.
Comment: This sequence change replaces glycine, which is neutral and non-polar, with serine, which is neutral and polar, at codon 7037 of the SYNE1 protein (p.Gly7037Ser). This variant is present in population databases (rs777227521, gnomAD 0.02%). This variant has not been reported in the literature in individuals affected with SYNE1-related conditions. ClinVar contains an entry for this variant (Variation ID: 283456). An algorithm developed to predict the effect of missense changes on protein structure and function outputs the following: PolyPhen-2: "Benign". The serine amino acid residue is found in multiple mammalian species, which suggests that this missense change does not adversely affect protein function. In summary, the available evidence is currently insufficient to determine the role of this variant in disease. Therefore, it has been classified as a Variant of Uncertain Significance.

CeGaT Center for Human Genetics Tuebingen
Classification: Uncertain significance. Last evaluated: 2025-01-01. Review status: criteria provided, single submitter. Criteria: CeGaT Center For Human Genetics Tuebingen Variant Classification Criteria Version 2. Collection method: clinical testing. Allele origin: germline. Affected: yes. Observed: 1 variant allele.
Comment: SYNE1: PM2, BP4

Revvity Omics, Revvity
Classification: Uncertain significance. Last evaluated: 2023-10-04. Review status: criteria provided, single submitter. Criteria: ACMG Guidelines, 2015. Collection method: clinical testing. Allele origin: germline.

Greenwood Genetic Center Diagnostic Laboratories, Greenwood Genetic Center
Classification: Uncertain significance. Last evaluated: 2022-01-20. Review status: criteria provided, single submitter. Criteria: ACMG Guidelines, 2015. Collection method: clinical testing. Allele origin: germline. Affected: yes.
Comment: PM2

Blueprint Genetics
Classification: Uncertain significance. Last evaluated: 2021-06-14. Review status: criteria provided, single submitter. Criteria: ACMG Guidelines, 2015. Collection method: clinical testing. Allele origin: germline.

Illumina Laboratory Services, Illumina
Classification: Benign for Emery-Dreifuss muscular dystrophy 4, autosomal dominant. Last evaluated: 2018-01-12. Review status: criteria provided, single submitter. Criteria: ICSL Variant Classification Criteria 13 December 2019. Collection method: clinical testing. Allele origin: germline.
Comment: This variant was observed in the ICSL laboratory as part of a predisposition screen in an ostensibly healthy population. It had not been previously curated by ICSL or reported in the Human Gene Mutation Database (HGMD: prior to June 1st, 2018), and was therefore a candidate for classification through an automated scoring system. Utilizing variant allele frequency, disease prevalence and penetrance estimates, and inheritance mode, an automated score was calculated to assess if this variant is too frequent to cause the disease. Based on the score and internal cut-off values, a variant classified as benign is not then subjected to further curation. The score for this variant resulted in a classification of benign for this disease.

Illumina Laboratory Services, Illumina
Classification: Uncertain significance for Autosomal recessive ataxia, Beauce type. Last evaluated: 2018-01-12. Review status: criteria provided, single submitter. Criteria: ICSL Variant Classification Criteria 13 December 2019. Collection method: clinical testing. Allele origin: germline.

Athena Diagnostics
Classification: Uncertain significance. Last evaluated: 2017-03-08. Review status: criteria provided, single submitter. Criteria: Athena Diagnostics Criteria. Collection method: clinical testing. Allele origin: germline.

Eurofins Ntd Llc (ga)
Classification: Uncertain significance. Last evaluated: 2015-09-24. Review status: criteria provided, single submitter. Criteria: EGL Classification Definitions 2015. Collection method: clinical testing. Allele origin: germline. Observed: 1 variant allele, 1 heterozygote.

NM_182961.4(SYNE1):c.21322G>A (p.Gly7108Ser)

Gene: SYNE1 (spectrin repeat containing nuclear envelope protein 1; minus strand). Cytogenetic location: 6q25.2.
Variant type: single nucleotide variant.
Coding change: c.21322G>A on transcript NM_182961.4 (MANE Select); coding-DNA position 21322, G replaced by A.
Protein change: p.Gly7108Ser; replaces glycine 7108 with serine.
Molecular consequence: missense variant.
Genome position (GRCh38, 1-based): chr6:152,225,750, C>T on the plus strand (G>A on the coding strand, the complement: SYNE1 is on the minus strand). VCF-style: chr6-152225750-C-T. GRCh37 (hg19) VCF-style: chr6-152546885-C-T.
Other names: c.21109G>A, p.Gly7037Ser (NM_033071.5); short protein forms G7037S, G7108S.
Identifiers: ClinVar variation 283456 (VCV000283456.34), dbSNP rs777227521, ClinGen allele CA4054193.